The following is an entry in ClinVar:

ClinVar aggregate classification (germline): Uncertain significance (1 of 4 stars; one submission).

Submission:

Labcorp Genetics (formerly Invitae), Labcorp
Classification: Uncertain significance. Last evaluated: 2025-05-04. Review status: criteria provided, single submitter. Criteria: Invitae Variant Classification Sherloc (09022015). Collection method: clinical testing. Allele origin: germline.
Comment: This sequence change replaces methionine, which is neutral and non-polar, with valine, which is neutral and non-polar, at codon 155 of the OTULIN protein (p.Met155Val). This variant is present in population databases (rs11953822, gnomAD 0.008%). This variant has not been reported in the literature in individuals affected with OTULIN-related conditions. Invitae Evidence Modeling of protein sequence and biophysical properties (such as structural, functional, and spatial information, amino acid conservation, physicochemical variation, residue mobility, and thermodynamic stability) indicates that this missense variant is not expected to disrupt OTULIN protein function with a negative predictive value of 80%. In summary, the available evidence is currently insufficient to determine the role of this variant in disease. Therefore, it has been classified as a Variant of Uncertain Significance.

NM_138348.6(OTULIN):c.463A>G (p.Met155Val)

Gene: OTULIN (OTU deubiquitinase with linear linkage specificity; plus strand). Cytogenetic location: 5p15.2.
Variant type: single nucleotide variant.
Coding change: c.463A>G on transcript NM_138348.6 (MANE Select); coding-DNA position 463, A replaced by G.
Protein change: p.Met155Val; replaces methionine 155 with valine.
Molecular consequence: missense variant.
Genome position (GRCh38, 1-based): chr5:14,681,602, A>G. VCF-style: chr5-14681602-A-G. GRCh37 (hg19) VCF-style: chr5-14681711-A-G.
Other names: short protein forms M155V.
Identifiers: ClinVar variation 4702298 (VCV004702298.1).